The following is an entry in ClinVar:

NM_003000.3(SDHB):c.718C>A (p.Leu240Ile)

Gene: SDHB (succinate dehydrogenase complex iron sulfur subunit B; minus strand). Cytogenetic location: 1p36.13.
Variant type: single nucleotide variant.
Coding change: c.718C>A on transcript NM_003000.3 (MANE Select); coding-DNA position 718, C replaced by A.
Protein change: p.Leu240Ile; replaces leucine 240 with isoleucine.
Molecular consequence: missense variant.
Genome position (GRCh38, 1-based): chr1:17,022,655, G>T on the plus strand (C>A on the coding strand, the complement: SDHB is on the minus strand). VCF-style: chr1-17022655-G-T. GRCh37 (hg19) VCF-style: chr1-17349150-G-T.
Other names: c.664C>A, p.Leu222Ile (NM_001407361.1); short protein forms L222I, L240I.
Identifiers: ClinVar variation 4841417 (VCV004841417.1).

ClinVar aggregate classification (germline): Uncertain significance (1 of 4 stars; one submission).

Conditions:
Hereditary cancer-predisposing syndrome. Also called: Neoplastic Syndromes, Hereditary; Tumor predisposition; Hereditary Cancer Syndrome; Hereditary neoplastic syndrome. Identifiers: Orphanet 140162, MedGen C0027672, MeSH D009386, MONDO:0015356.

Submission:

Ambry Genetics
Classification: Uncertain significance for Hereditary cancer-predisposing syndrome. Last evaluated: 2025-12-17. Review status: criteria provided, single submitter. Criteria: Ambry Variant Classification Scheme 2023. Collection method: clinical testing. Allele origin: germline.
Comment: The p.L240I variant (also known as c.718C>A), located in coding exon 7 of the SDHB gene, results from a C to A substitution at nucleotide position 718. The leucine at codon 240 is replaced by isoleucine, an amino acid with highly similar properties. This amino acid position is conserved. In addition, the in silico prediction for this alteration is inconclusive. Based on the available evidence, the clinical significance of this variant remains unclear.